The following is an entry in ClinVar:

ClinVar aggregate classification (germline): Uncertain significance (1 of 4 stars; one submission).

Conditions:
Epidermolysis bullosa simplex 5B, with muscular dystrophy (EBS5B). Also called: EPIDERMOLYSIS BULLOSA SIMPLEX AND LIMB-GIRDLE MUSCULAR DYSTROPHY; Epidermolysis bullosa simplex with muscular dystrophy. Identifiers: Orphanet 257, MedGen C2931072, MONDO:0009181, OMIM 226670.
Epidermolysis bullosa simplex 5C, with pyloric atresia (EBS5C). Also called: Epidermolysis bullosa simplex with pyloric atresia; PLEC-Related Epidermolysis Bullosa with Pyloric Atresia; PLEC1-Related Epidermolysis Bullosa with Pyloric Atresia. Identifiers: Orphanet 158684, MedGen C2677349, MONDO:0012807, OMIM 612138.
Epidermolysis bullosa simplex with nail dystrophy (EBS5D). Identifiers: MedGen C4225309, MONDO:0014661, OMIM 616487.
Autosomal recessive limb-girdle muscular dystrophy type 2Q (LGMDR17). Also called: MUSCULAR DYSTROPHY, LIMB-GIRDLE, AUTOSOMAL RECESSIVE 17. Identifiers: Orphanet 254361, MedGen C3150989, MONDO:0013390, OMIM 613723.
Epidermolysis bullosa simplex, Ogna type (EBS5A). Also called: Pidermolysis bullosa simplex 5A, Ogna type; EPIDERMOLYSIS BULLOSA SIMPLEX 5A, OGNA TYPE. Identifiers: Orphanet 79401, MedGen C0432317, MONDO:0007555, OMIM 131950.

Submission:

Labcorp Genetics (formerly Invitae), Labcorp
Classification: Uncertain significance for Autosomal recessive limb-girdle muscular dystrophy type 2Q; Epidermolysis bullosa simplex, Ogna type; Epidermolysis bullosa simplex with nail dystrophy; Epidermolysis bullosa simplex 5C, with pyloric atresia; Epidermolysis bullosa simplex 5B, with muscular dystrophy. Last evaluated: 2022-08-12. Review status: criteria provided, single submitter. Criteria: Invitae Variant Classification Sherloc (09022015). Collection method: clinical testing. Allele origin: germline.
Comment: This variant has not been reported in the literature in individuals affected with PLEC-related conditions. Algorithms developed to predict the effect of missense changes on protein structure and function are either unavailable or do not agree on the potential impact of this missense change (SIFT: "Tolerated"; PolyPhen-2: "Not Available"; Align-GVGD: "Class C0"). In summary, the available evidence is currently insufficient to determine the role of this variant in disease. Therefore, it has been classified as a Variant of Uncertain Significance. This variant is not present in population databases (gnomAD no frequency). This sequence change replaces valine, which is neutral and non-polar, with glycine, which is neutral and non-polar, at codon 1628 of the PLEC protein (p.Val1628Gly).

NM_201384.3(PLEC):c.4802T>G (p.Val1601Gly)

Gene: PLEC (plectin; minus strand). Cytogenetic location: 8q24.3.
Variant type: single nucleotide variant.
Coding change: c.4802T>G on transcript NM_201384.3 (MANE Select); coding-DNA position 4802, T replaced by G.
Protein change: p.Val1601Gly; replaces valine 1601 with glycine.
Molecular consequence: missense variant.
Genome position (GRCh38, 1-based): chr8:143,925,127, A>C on the plus strand (T>G on the coding strand, the complement: PLEC is on the minus strand). VCF-style: chr8-143925127-A-C. GRCh37 (hg19) VCF-style: chr8-144999295-A-C.
Other names: c.4883T>G, p.Val1628Gly (NM_000445.5); c.4760T>G, p.Val1587Gly (NM_201378.4); c.4736T>G, p.Val1579Gly (NM_201379.3); c.5213T>G, p.Val1738Gly (NM_201380.4); c.4706T>G, p.Val1569Gly (NM_201381.3); c.4802T>G, p.Val1601Gly (NM_201382.4); c.4814T>G, p.Val1605Gly (NM_201383.3); short protein forms V1587G, V1601G, V1605G, V1738G, V1569G, V1579G, V1628G.
Identifiers: ClinVar variation 2072242 (VCV002072242.4), dbSNP rs2131455250, ClinGen allele CA372552852.
Genomic context (GRCh38, chr8:143,925,127, plus strand): 5'-TCGGCCTCGGCCTGCTGCTGTGCCCGCCGCTCAGCCTCCTCCCGCAGCTGTGCCACAGCC[A>C]CGTGTTCCTCCTGCAGGGAGCGCTCCAGCTGTGCCGTCTTCTCGGCGAAGGAGGCGCGTT-3'
Protein context (NP_958786.1, residues 1591-1611): QLERSLQEEH[Val1601Gly]AVAQLREEAE